The following is an entry in ClinVar:

ClinVar aggregate classification (germline): Uncertain significance (1 of 4 stars; one submission).

Conditions:
Hereditary cancer-predisposing syndrome. Also called: Hereditary neoplastic syndrome; Tumor predisposition; Hereditary Cancer Syndrome; Neoplastic Syndromes, Hereditary. Identifiers: Orphanet 140162, MedGen C0027672, MeSH D009386, MONDO:0015356.

Submission:

Color Diagnostics, LLC DBA Color Health
Classification: Uncertain significance for Hereditary cancer-predisposing syndrome. Last evaluated: 2023-12-05. Review status: criteria provided, single submitter. Criteria: ACMG Guidelines, 2015. Collection method: clinical testing. Allele origin: germline.
Comment: This missense variant replaces serine with asparagine at codon 917 of the BRIP1 protein. Computational prediction suggests that this variant may not impact protein structure and function (internally defined REVEL score threshold <= 0.5, PMID: 27666373). To our knowledge, functional studies have not been reported for this variant. This variant has not been reported in individuals affected with BRIP1-related disorders in the literature. This variant has not been identified in the general population by the Genome Aggregation Database (gnomAD). The available evidence is insufficient to determine the role of this variant in disease conclusively. Therefore, this variant is classified as a Variant of Uncertain Significance.

NM_032043.3(BRIP1):c.2750G>A (p.Ser917Asn)

Gene: BRIP1 (BRCA1 interacting DNA helicase 1; minus strand). Cytogenetic location: 17q23.2.
Variant type: single nucleotide variant.
Coding change: c.2750G>A on transcript NM_032043.3 (MANE Select); coding-DNA position 2750, G replaced by A.
Protein change: p.Ser917Asn; replaces serine 917 with asparagine.
Molecular consequence: missense variant.
Genome position (GRCh38, 1-based): chr17:61,685,991, C>T on the plus strand (G>A on the coding strand, the complement: BRIP1 is on the minus strand). VCF-style: chr17-61685991-C-T. GRCh37 (hg19) VCF-style: chr17-59763352-C-T.
Other names: short protein forms S917N.
Identifiers: ClinVar variation 491454 (VCV000491454.6), dbSNP rs1555573369, ClinGen allele CA400481608.
Genomic context (GRCh38, chr17:61,685,991, plus strand): 5'-TCTTCCACAAAATTTTCTGGTGATAGATGACTTGCTGCTTCCAGTAAATAAGGTGAGGTA[C>T]TGTACTTTAAAGAGGTCACTTCAAGTGTAGACTCATTGTCCTGTATATTGGTTCTGTCCT-3'
Protein context (NP_114432.2, residues 907-927): STLEVTSLKY[Ser917Asn]TSPYLLEAAS